The following is an entry in ClinVar:

ClinVar aggregate classification (germline): Uncertain significance. Review status: criteria provided, multiple submitters, no conflicts (2 of 4 stars). 3 submissions from 3 submitters: Uncertain significance (3). Last evaluated 2025-10-22.

Conditions:
Hyperuricemia, pulmonary hypertension, renal failure, alkalosis syndrome (HUPRAS). Also called: HYPERURICEMIA, PULMONARY HYPERTENSION, RENAL FAILURE, AND ALKALOSIS SYNDROME; HUPRA SYNDROME. Identifiers: Orphanet 363694, MedGen C3151209, MONDO:0013458, OMIM 613845.

Allele frequency attached by ClinVar (database versions not stated): gnomAD 0.00001; gnomAD exomes 0.00001; ExAC 0.00002; TOPMed 0.00002.
gnomAD v4.1: 12 of 1,614,038 alleles (0.00074%); highest among the groups gnomAD compares: Admixed American, 0.0017%; no homozygotes.

Submissions (3):

Labcorp Genetics (formerly Invitae), Labcorp
Classification: Uncertain significance. Last evaluated: 2025-10-22. Review status: criteria provided, single submitter. Criteria: Invitae Variant Classification Sherloc (09022015). Collection method: clinical testing. Allele origin: germline.
Comment: This sequence change replaces leucine, which is neutral and non-polar, with proline, which is neutral and non-polar, at codon 149 of the SARS2 protein (p.Leu149Pro). This variant is present in population databases (rs762785941, gnomAD 0.002%). This variant has not been reported in the literature in individuals affected with SARS2-related conditions. ClinVar contains an entry for this variant (Variation ID: 1408148). An algorithm developed to predict the effect of missense changes on protein structure and function (PolyPhen-2) suggests that this variant is likely to be disruptive. In summary, the available evidence is currently insufficient to determine the role of this variant in disease. Therefore, it has been classified as a Variant of Uncertain Significance.

Blueprint Genetics
Classification: Uncertain significance. Last evaluated: 2024-09-06. Review status: criteria provided, single submitter. Criteria: ACMG Guidelines, 2015. Collection method: clinical testing. Allele origin: germline.

Fulgent Genetics
Classification: Uncertain significance for Hyperuricemia, pulmonary hypertension, renal failure, alkalosis syndrome. Last evaluated: 2021-11-19. Review status: criteria provided, single submitter. Criteria: ACMG Guidelines, 2015. Collection method: clinical testing. Allele origin: unknown.

NM_017827.4(SARS2):c.446T>C (p.Leu149Pro)

Gene: SARS2 (seryl-tRNA synthetase 2, mitochondrial; minus strand). Cytogenetic location: 19q13.2.
Variant type: single nucleotide variant.
Coding change: c.446T>C on transcript NM_017827.4 (MANE Select); coding-DNA position 446, T replaced by C.
Protein change: p.Leu149Pro; replaces leucine 149 with proline.
Molecular consequence: missense variant. On other transcripts: intron variant (1).
Genome position (GRCh38, 1-based): chr19:38,921,615, A>G on the plus strand (T>C on the coding strand, the complement: SARS2 is on the minus strand). VCF-style: chr19-38921615-A-G. GRCh37 (hg19) VCF-style: chr19-39412255-A-G.
Other names: c.471-19T>C (NM_001145901.2); short protein forms L149P.
Identifiers: ClinVar variation 1408148 (VCV001408148.10), dbSNP rs762785941, ClinGen allele CA9423175.